The following is an entry in ClinVar:

ClinVar aggregate classification (germline): Uncertain significance. Review status: criteria provided, multiple submitters, no conflicts (2 of 4 stars). 2 submissions from 2 submitters: Uncertain significance (2). Last evaluated 2023-08-15.

Conditions:
Malignant hyperthermia, susceptibility to, 5 (MHS5). Also called: CACNA1S-Related Malignant Hyperthermia Susceptibility. Identifiers: Orphanet 423, MedGen C1866077, MONDO:0011163, OMIM 601887.
Hypokalemic periodic paralysis, type 1. Also called: HypoPP; Hypokalemic Periodic Paralysis Type 1 (AD). Identifiers: Orphanet 681, MedGen C3714580, MONDO:0042979, OMIM 170400.

Submissions (2):

All of Us Research Program, National Institutes of Health
Classification: Uncertain significance for Malignant hyperthermia, susceptibility to, 5. Last evaluated: 2023-08-15. Review status: criteria provided, single submitter. Criteria: ACMG Guidelines, 2015. Collection method: clinical testing. Allele origin: germline. Inheritance: Autosomal dominant inheritance. Observed: 1 variant allele, 1 heterozygote.
Comment: This missense variant replaces aspartic acid with valine at codon 734 of the CACNA1S protein. Computational prediction is inconclusive regarding the impact of this variant on protein structure and function (internally defined REVEL score threshold 0.5 < inconclusive < 0.7, PMID: 27666373). To our knowledge, functional studies have not been reported for this variant. This variant has not been reported in individuals affected with CACNA1S-related disorders in the literature. This variant has not been identified in the general population by the Genome Aggregation Database (gnomAD). The available evidence is insufficient to determine the role of this variant in disease conclusively. Therefore, this variant is classified as a Variant of Uncertain Significance.

This study involves interpretation of variants in research participants for the purpose of population health screening. Participant phenotype was not available at the time of variant classification. Additional details can be found in publication PMID: 35346344, PMCID: PMC8962531

Labcorp Genetics (formerly Invitae), Labcorp
Classification: Uncertain significance for Hypokalemic periodic paralysis, type 1; Malignant hyperthermia, susceptibility to, 5. Last evaluated: 2022-07-12. Review status: criteria provided, single submitter. Criteria: Invitae Variant Classification Sherloc (09022015). Collection method: clinical testing. Allele origin: germline.
Comment: This sequence change replaces aspartic acid, which is acidic and polar, with valine, which is neutral and non-polar, at codon 734 of the CACNA1S protein (p.Asp734Val). This variant is not present in population databases (gnomAD no frequency). This variant has not been reported in the literature in individuals affected with CACNA1S-related conditions. ClinVar contains an entry for this variant (Variation ID: 1009615). Advanced modeling of protein sequence and biophysical properties (such as structural, functional, and spatial information, amino acid conservation, physicochemical variation, residue mobility, and thermodynamic stability) performed at Invitae indicates that this missense variant is not expected to disrupt CACNA1S protein function. In summary, the available evidence is currently insufficient to determine the role of this variant in disease. Therefore, it has been classified as a Variant of Uncertain Significance.

NM_000069.3(CACNA1S):c.2201A>T (p.Asp734Val)

Gene: CACNA1S (calcium voltage-gated channel subunit alpha1 S; minus strand). Cytogenetic location: 1q32.1.
Variant type: single nucleotide variant.
Coding change: c.2201A>T on transcript NM_000069.3 (MANE Select); coding-DNA position 2201, A replaced by T.
Protein change: p.Asp734Val; replaces aspartic acid 734 with valine.
Molecular consequence: missense variant.
Genome position (GRCh38, 1-based): chr1:201,072,781, T>A on the plus strand (A>T on the coding strand, the complement: CACNA1S is on the minus strand). VCF-style: chr1-201072781-T-A. GRCh37 (hg19) VCF-style: chr1-201041909-T-A.
Other names: short protein forms D734V.
Identifiers: ClinVar variation 1009615 (VCV001009615.7), dbSNP rs1661470332, ClinGen allele CA344112147.
Genomic context (GRCh38, chr1:201,072,781, plus strand): 5'-CACCCTGCTCCAGTCCAGTCTCCAGCATCCTCACCTGGGAAGTCGGCTGAGGGGTAGGGA[T>A]CCTTCACCTCATTGACATTAGATTCAAACTCATCGATTTTCAGCTGTAGGAAGGAACACA-3'
Protein context (NP_000060.2, residues 724-744): EFESNVNEVK[Asp734Val]PYPSADFPGD